The following is an entry in ClinVar:

ClinVar aggregate classification (germline): Pathogenic/Likely pathogenic. Review status: criteria provided, multiple submitters, no conflicts (2 of 4 stars). 7 submissions from 7 submitters: Pathogenic (3); Likely pathogenic (4). Last evaluated 2026-09-12.

Conditions:
Primary ciliary dyskinesia 3. Identifiers: Orphanet 244, MedGen C1837618, MONDO:0012085, OMIM 608644.
Primary ciliary dyskinesia. Also called: Ciliary dyskinesia. Identifiers: Orphanet 244, MedGen C0008780, MONDO:0016575, HP:0012265.

Submissions (7):

GeneDx
Classification: Pathogenic. Last evaluated: 2026-09-12. Review status: criteria provided, single submitter. Criteria: GeneDx Variant Classification Process June 2021. Collection method: clinical testing. Allele origin: germline.
Comment: Frameshift variant predicted to result in protein truncation or nonsense mediated decay in a gene for which loss of function is a known mechanism of disease; Not observed at significant frequency in large population cohorts (gnomAD); Has not been previously published as pathogenic or benign to our knowledge

Labcorp Genetics (formerly Invitae), Labcorp
Classification: Pathogenic for Primary ciliary dyskinesia. Last evaluated: 2026-01-17. Review status: criteria provided, single submitter. Criteria: Invitae Variant Classification Sherloc (09022015). Collection method: clinical testing. Allele origin: germline.
Comment: This sequence change creates a premature translational stop signal (p.Leu1889Aspfs*12) in the DNAH5 gene. It is expected to result in an absent or disrupted protein product. Loss-of-function variants in DNAH5 are known to be pathogenic (PMID: 11788826, 16627867). This variant is present in population databases (rs767779749, gnomAD 0.002%). This premature translational stop signal has been observed in individuals with primary ciliary dyskinesia (internal data). ClinVar contains an entry for this variant (Variation ID: 648455). For these reasons, this variant has been classified as Pathogenic.

Natera, Inc.
Classification: Likely pathogenic for Primary ciliary dyskinesia. Last evaluated: 2024-05-31. Review status: criteria provided, single submitter. Criteria: Natera Variant Classification Schema (03/2026). Collection method: clinical testing. Allele origin: germline.
Comment: The c.5665_5666delCT variant in DNAH5 is a frameshift variant predicted to shift the reading frame beginning at codon 1889 and leads to a stop codon 12 codons downstream. This variant is expected to result in nonsense mediated decay, truncation, or a dysfunctional protein product. This variant is rare in the general population with a frequency below the threshold expected for the associated phenotype(s). Given the available evidence, this variant is classified as Likely Pathogenic.

Myriad Genetics, Inc.
Classification: Pathogenic for Primary ciliary dyskinesia 3. Last evaluated: 2024-05-06. Review status: criteria provided, single submitter. Criteria: Myriad Autosomal Dominant, Autosomal Recessive and X-Linked Classification Criteria (2023). Collection method: clinical testing. Allele origin: unknown.
Comment: NM_001369.2(DNAH5):c.5665_5666delCT(L1889Dfs*12) is expected to be pathogenic in the context of primary ciliary dyskinesia, DNAH5-related. This variant is predicted to lead to an abnormal or absent protein product due to the creation of a premature termination codon in DNAH5, a gene where loss-of-function variants are known to be pathogenic. Please note: this variant was assessed in the context of healthy population screening.

Fulgent Genetics
Classification: Likely pathogenic for Primary ciliary dyskinesia 3. Last evaluated: 2024-03-02. Review status: criteria provided, single submitter. Criteria: ACMG Guidelines, 2015. Collection method: clinical testing. Allele origin: germline.

Revvity Omics, Revvity
Classification: Likely pathogenic for Primary ciliary dyskinesia 3. Last evaluated: 2021-10-14. Review status: criteria provided, single submitter. Criteria: ACMG Guidelines, 2015. Collection method: clinical testing. Allele origin: germline.

UNC Molecular Genetics  Laboratory, University of North Carolina at Chapel Hill
Classification: Likely pathogenic for Primary ciliary dyskinesia. Last evaluated: 2018-07-05. Review status: criteria provided, single submitter. Criteria: ACMG Guidelines, 2015. Collection method: clinical testing. Allele origin: germline. Affected: yes. Observed: 1 compound heterozygote.

Literature cited by the submitters: PubMed 11788826 (cited by Labcorp Genetics (formerly Invitae), Labcorp); PubMed 16627867 (cited by Labcorp Genetics (formerly Invitae), Labcorp).

NM_001369.3(DNAH5):c.5665_5666del (p.Leu1889fs)

Gene: DNAH5 (dynein axonemal heavy chain 5; minus strand). Cytogenetic location: 5p15.2.
Variant type: Microsatellite.
Coding change: c.5665_5666del on transcript NM_001369.3 (MANE Select); coding-DNA positions 5665 to 5666, 2 bases deleted (CT; older notation c.5665_5666delCT).
Protein change: p.Leu1889fs; shifts the reading frame from leucine 1889.
Molecular consequence: frameshift variant.
Genome position (GRCh38, 1-based): chr5:13,840,949-13,840,950, AG deleted on the plus strand (CT on the coding strand, the reverse complement: DNAH5 is on the minus strand); deleting any 2 consecutive bases within chr5:13,840,949-13,840,952 gives the same sequence; the c. name uses the placement nearest the transcript's 3' end. VCF-style (leftmost placement, unchanged base first): chr5-13840948-CAG-C. GRCh37 (hg19) VCF-style: chr5-13841057-CAG-C.
Other names: c.5665_5666del (NM_001369.2); short protein forms L1889fs.
Identifiers: ClinVar variation 648455 (VCV000648455.24), dbSNP rs767779749, ClinGen allele CA3203613.